The following is an entry in ClinVar:

ClinVar aggregate classification (germline): Uncertain significance (1 of 4 stars; one submission).

Submission:

Labcorp Genetics (formerly Invitae), Labcorp
Classification: Uncertain significance. Last evaluated: 2024-03-27. Review status: criteria provided, single submitter. Criteria: Invitae Variant Classification Sherloc (09022015). Collection method: clinical testing. Allele origin: germline.
Comment: This sequence change replaces lysine, which is basic and polar, with arginine, which is basic and polar, at codon 269 of the KMT2A protein (p.Lys269Arg). This variant is not present in population databases (gnomAD no frequency). This variant has not been reported in the literature in individuals affected with KMT2A-related conditions. Advanced modeling of protein sequence and biophysical properties (such as structural, functional, and spatial information, amino acid conservation, physicochemical variation, residue mobility, and thermodynamic stability) has been performed at Invitae for this missense variant, however the output from this modeling did not meet the statistical confidence thresholds required to predict the impact of this variant on KMT2A protein function. In summary, the available evidence is currently insufficient to determine the role of this variant in disease. Therefore, it has been classified as a Variant of Uncertain Significance.

NM_001197104.2(KMT2A):c.806A>G (p.Lys269Arg)

Gene: KMT2A (lysine methyltransferase 2A; plus strand). Cytogenetic location: 11q23.3.
Variant type: single nucleotide variant.
Coding change: c.806A>G on transcript NM_001197104.2 (MANE Select); coding-DNA position 806, A replaced by G.
Protein change: p.Lys269Arg; replaces lysine 269 with arginine.
Molecular consequence: missense variant.
Genome position (GRCh38, 1-based): chr11:118,471,965, A>G. VCF-style: chr11-118471965-A-G. GRCh37 (hg19) VCF-style: chr11-118342680-A-G.
Other names: c.905A>G, p.Lys302Arg (NM_001412597.1); c.806A>G, p.Lys269Arg (NM_005933.4); short protein forms K269R, K302R.
Identifiers: ClinVar variation 2712128 (VCV002712128.3), dbSNP rs2496793415, ClinGen allele CA382807971.